The following is an entry in ClinVar:

NM_212550.5(BLOC1S3):c.202G>A (p.Glu68Lys)

Gene: BLOC1S3 (biogenesis of lysosomal organelles complex 1 subunit 3; plus strand). Cytogenetic location: 19q13.32.
Variant type: single nucleotide variant.
Coding change: c.202G>A on transcript NM_212550.5 (MANE Select); coding-DNA position 202, G replaced by A.
Protein change: p.Glu68Lys; replaces glutamic acid 68 with lysine.
Molecular consequence: missense variant.
Genome position (GRCh38, 1-based): chr19:45,179,498, G>A. VCF-style: chr19-45179498-G-A. GRCh37 (hg19) VCF-style: chr19-45682756-G-A.
Other names: short protein forms E68K.
Identifiers: ClinVar variation 3614904 (VCV003614904.2).

ClinVar aggregate classification (germline): Uncertain significance (1 of 4 stars; one submission).

gnomAD v4.1: 5 of 1,523,756 alleles (0.00033%); highest among the groups gnomAD compares: Admixed American, 0.004%; no homozygotes.

Submission:

Labcorp Genetics (formerly Invitae), Labcorp
Classification: Uncertain significance. Last evaluated: 2024-08-14. Review status: criteria provided, single submitter. Criteria: Invitae Variant Classification Sherloc (09022015). Collection method: clinical testing. Allele origin: germline.
Comment: This sequence change replaces glutamic acid, which is acidic and polar, with lysine, which is basic and polar, at codon 68 of the BLOC1S3 protein (p.Glu68Lys). This variant is present in population databases (no rsID available, gnomAD 0.009%). This variant has not been reported in the literature in individuals affected with BLOC1S3-related conditions. An algorithm developed to predict the effect of missense changes on protein structure and function (PolyPhen-2) suggests that this variant is likely to be tolerated. In summary, the available evidence is currently insufficient to determine the role of this variant in disease. Therefore, it has been classified as a Variant of Uncertain Significance.